The following is an entry in ClinVar:

ClinVar aggregate classification (germline): Conflicting classifications of pathogenicity. Review status: criteria provided, conflicting classifications (1 of 4 stars). 2 submissions from 2 submitters: Likely pathogenic (1); Uncertain significance (1). Last evaluated 2020-04-16.

Conditions:
Primary familial dilated cardiomyopathy (FDC). Also called: Familial dilated cardiomyopathy; Hypokinetic dilated cardiomyopathy, familial. Identifiers: Orphanet 217607, MedGen C0340427, MONDO:0016333.
TAX1BP3-related arrhythmogenic right ventricular cardiomyopathy.

gnomAD v4.1: 14 of 1,614,102 alleles (0.00087%); highest among the groups gnomAD compares: Non-Finnish European, 0.001%; no homozygotes.

Submissions (2):

Department of Molecular and Human Genetics, Baylor College of Medicine
Classification: Uncertain significance for Primary familial dilated cardiomyopathy. Last evaluated: 2020-04-16. Review status: criteria provided, single submitter. Criteria: ACMG Guidelines, 2015. Collection method: clinical testing. Allele origin: inherited. Affected: yes. Observed: 2 heterozygotes.

Undiagnosed Diseases Network, NIH
Classification: Likely pathogenic for TAX1BP3-related arrhythmogenic right ventricular cardiomyopathy. Last evaluated: 2018-11-27. Review status: criteria provided, single submitter. Criteria: ACMG Guidelines, 2015. Collection method: clinical testing. Allele origin: maternal, unknown. Inheritance: Autosomal recessive inheritance. Affected: yes and no. Observed: 4 variant alleles, 1 heterozygote, 3 compound heterozygotes. Clinical features observed: Type I diabetes mellitus (HP:0100651), Tachycardia (HP:0001649), Speech apraxia (HP:0011098), Short philtrum (HP:0000322), Right ventricular cardiomyopathy (HP:0011663), Enuresis (HP:0000805), Attention deficit hyperactivity disorder (HP:0007018).
Comment: Exome sequencing showed that all three brothers are hemizygous, the mother is heterozygous, and the father is negative for this change. Concurrent array analysis revealed a heterozygous copy number loss of approximately 238 Kb in size (genomic position chr17:3394299- 3632836) in all three brothers. This large deletion encompasses the entire TAX1BP3 gene. SNP arrays detected this deletion as heterozygous in all three brothers and the father. Therefore, the 238 Kb deletion and the c.233T>C (p.M78T) variant are located on two chromosomes (in trans configuration). We believe the combination of the missense variant and deletion in trans is likely pathogenic.

Literature cited by the submitters: PubMed 32576985 (cited by Department of Molecular and Human Genetics, Baylor College of Medicine); PubMed 25645515 (cited by Department of Molecular and Human Genetics, Baylor College of Medicine).

NM_014604.4(TAX1BP3):c.233T>C (p.Met78Thr)

Genes: P2RX5-TAX1BP3 (P2RX5-TAX1BP3 readthrough (NMD candidate); minus strand), TAX1BP3 (Tax1 binding protein 3; minus strand). Cytogenetic location: 17p13.2.
Variant type: single nucleotide variant.
Coding change: c.233T>C on transcript NM_014604.4 (MANE Select); coding-DNA position 233, T replaced by C.
Protein change: p.Met78Thr; replaces methionine 78 with threonine.
Molecular consequence: missense variant. On other transcripts: non-coding transcript variant (1), intron variant (1).
Genome position (GRCh38, 1-based): chr17:3,664,199, A>G on the plus strand (T>C on the coding strand, the complement: TAX1BP3 is on the minus strand). VCF-style: chr17-3664199-A-G. GRCh37 (hg19) VCF-style: chr17-3567493-A-G.
Other names: c.160-314T>C (NM_001204698.2); short protein forms M78T.
Identifiers: ClinVar variation 598745 (VCV000598745.5), dbSNP rs1307997067, ClinGen allele CA397696100.
Genomic context (GRCh38, chr17:3,664,199, plus strand): 5'-GTGCTTCAGACCTGCTTGCCCAAACCTTGTTTCTCCTCCTTTGGGACACCTGTTACCTGC[A>G]TGATCTTGTCTCCAATCTGCAGCCCAGCGATTTCAGCAGGGCCTCCTTCAGACACCCGTG-3'
Protein context (NP_055419.1, residues 68-88): IAGLQIGDKI[Met78Thr]QVNGWDMTMV